The following is an entry in ClinVar:

ClinVar aggregate classification (germline): Uncertain significance (1 of 4 stars; one submission).

Conditions:
CHARGE syndrome (CHARGE). Also called: Hittner Hirsch Kreh syndrome; CHARGE ASSOCIATION--COLOBOMA, HEART ANOMALY, CHOANAL ATRESIA, RETARDATION, GENITAL AND EAR ANOMALIES; Coloboma, heart anomaly, choanal atresia, retardation, genital and ear anomalies; CHARGE association; Hall-Hittner syndrome. Identifiers: Orphanet 138, MedGen C0265354, MONDO:0008965.

Allele frequency attached by ClinVar (database versions not stated): TOPMed below 0.00001.
gnomAD v4.1: 6 of 1,514,890 alleles (0.0004%); highest among the groups gnomAD compares: South Asian, 0.0014%; no homozygotes.

Submission:

Labcorp Genetics (formerly Invitae), Labcorp
Classification: Uncertain significance for CHARGE syndrome. Last evaluated: 2025-04-21. Review status: criteria provided, single submitter. Criteria: Invitae Variant Classification Sherloc (09022015). Collection method: clinical testing. Allele origin: germline.
Comment: This sequence change replaces serine, which is neutral and polar, with leucine, which is neutral and non-polar, at codon 2251 of the CHD7 protein (p.Ser2251Leu). This variant is not present in population databases (gnomAD no frequency). This variant has not been reported in the literature in individuals affected with CHD7-related conditions. ClinVar contains an entry for this variant (Variation ID: 2156185). Invitae Evidence Modeling of protein sequence and biophysical properties (such as structural, functional, and spatial information, amino acid conservation, physicochemical variation, residue mobility, and thermodynamic stability) indicates that this missense variant is not expected to disrupt CHD7 protein function with a negative predictive value of 95%. In summary, the available evidence is currently insufficient to determine the role of this variant in disease. Therefore, it has been classified as a Variant of Uncertain Significance.

NM_017780.4(CHD7):c.6752C>T (p.Ser2251Leu)

Gene: CHD7 (chromodomain helicase DNA binding protein 7; plus strand). Cytogenetic location: 8q12.2.
Variant type: single nucleotide variant.
Coding change: c.6752C>T on transcript NM_017780.4 (MANE Select); coding-DNA position 6752, C replaced by T.
Protein change: p.Ser2251Leu; replaces serine 2251 with leucine.
Molecular consequence: missense variant. On other transcripts: intron variant (1).
Genome position (GRCh38, 1-based): chr8:60,853,477, C>T. VCF-style: chr8-60853477-C-T. GRCh37 (hg19) VCF-style: chr8-61766036-C-T.
Other names: c.1717-8752C>T (NM_001316690.1); short protein forms S2251L.
Identifiers: ClinVar variation 2156185 (VCV002156185.4), dbSNP rs962039483, ClinGen allele CA177354227.